The following is an entry in ClinVar:

NM_020297.4(ABCC9):c.2913G>T (p.Met971Ile)

Gene: ABCC9 (ATP binding cassette subfamily C member 9; minus strand). Cytogenetic location: 12p12.1.
Variant type: single nucleotide variant.
Coding change: c.2913G>T on transcript NM_020297.4 (MANE Select); coding-DNA position 2913, G replaced by T.
Protein change: p.Met971Ile; replaces methionine 971 with isoleucine.
Molecular consequence: missense variant.
Genome position (GRCh38, 1-based): chr12:21,845,786, C>A on the plus strand (G>T on the coding strand, the complement: ABCC9 is on the minus strand). VCF-style: chr12-21845786-C-A. GRCh37 (hg19) VCF-style: chr12-21998720-C-A.
Other names: c.2913G>T, p.Met971Ile (NM_001377273.1, NM_005691.4); c.2046G>T, p.Met682Ile (NM_001377274.1); short protein forms M682I, M971I.
Identifiers: ClinVar variation 5025142 (VCV005025142.1).

ClinVar aggregate classification (germline): Uncertain significance (1 of 4 stars; one submission).

Conditions:
Cardiovascular phenotype. Identifiers: MedGen CN230736.

Submission:

Ambry Genetics
Classification: Uncertain significance for Cardiovascular phenotype. Last evaluated: 2026-08-31. Review status: criteria provided, single submitter. Criteria: Ambry Variant Classification Scheme 2023. Collection method: clinical testing. Allele origin: germline.
Comment: The p.M971I variant (also known as c.2913G>T), located in coding exon 24 of the ABCC9 gene, results from a G to T substitution at nucleotide position 2913. The methionine at codon 971 is replaced by isoleucine, an amino acid with highly similar properties. This amino acid position is conserved. In addition, this alteration is predicted to be tolerated by in silico analysis. Based on the available evidence, the clinical significance of this variant remains unclear.